The following is an entry in ClinVar:

NM_152383.5(DIS3L2):c.1492C>A (p.Gln498Lys)

Gene: DIS3L2 (DIS3 like 3'-5' exoribonuclease 2; plus strand). Cytogenetic location: 2q37.1.
Variant type: single nucleotide variant.
Coding change: c.1492C>A on transcript NM_152383.5 (MANE Select); coding-DNA position 1492, C replaced by A.
Protein change: p.Gln498Lys; replaces glutamine 498 with lysine.
Molecular consequence: missense variant. On other transcripts: non-coding transcript variant (2).
Genome position (GRCh38, 1-based): chr2:232,263,273, C>A. VCF-style: chr2-232263273-C-A. GRCh37 (hg19) VCF-style: chr2-233127983-C-A.
Other names: c.1492C>A, p.Gln498Lys (NM_001257281.2); short protein forms Q498K.
Identifiers: ClinVar variation 862490 (VCV000862490.9), dbSNP rs1693764748, ClinGen allele CA350975343.

ClinVar aggregate classification (germline): Uncertain significance (1 of 4 stars; one submission).

Conditions:
Perlman syndrome (PRLMNS). Identifiers: Orphanet 2849, MedGen C0796113, MONDO:0009965, OMIM 267000.

Allele frequency attached by ClinVar (database versions not stated): gnomAD exomes below 0.00001; TOPMed below 0.00001.
gnomAD v4.1: 4 of 1,614,224 alleles (0.00025%); highest among the groups gnomAD compares: Non-Finnish European, 0.00034%; no homozygotes.

Submission:

Labcorp Genetics (formerly Invitae), Labcorp
Classification: Uncertain significance for Perlman syndrome. Last evaluated: 2023-08-30. Review status: criteria provided, single submitter. Criteria: Invitae Variant Classification Sherloc (09022015). Collection method: clinical testing. Allele origin: germline.
Comment: Advanced modeling of protein sequence and biophysical properties (such as structural, functional, and spatial information, amino acid conservation, physicochemical variation, residue mobility, and thermodynamic stability) performed at Invitae indicates that this missense variant is expected to disrupt DIS3L2 protein function. In summary, the available evidence is currently insufficient to determine the role of this variant in disease. Therefore, it has been classified as a Variant of Uncertain Significance. ClinVar contains an entry for this variant (Variation ID: 862490). This variant has not been reported in the literature in individuals affected with DIS3L2-related conditions. This variant is not present in population databases (gnomAD no frequency). This sequence change replaces glutamine, which is neutral and polar, with lysine, which is basic and polar, at codon 498 of the DIS3L2 protein (p.Gln498Lys).